The following is an entry in ClinVar:

ClinVar aggregate classification (germline): Pathogenic (3 of 4 stars; one submission).

Conditions:
Breast-ovarian cancer, familial, susceptibility to, 1 (BROVCA1). Also called: BRCA1 Hereditary Breast and Ovarian Cancer; OVARIAN CANCER, SUSCEPTIBILITY TO. Identifiers: Orphanet 145, MedGen C2676676, MONDO:0011450, OMIM 604370. Disease mechanism: loss of function.

Submission:

Evidence-based Network for the Interpretation of Germline Mutant Alleles (ENIGMA)
Classification: Pathogenic for Breast-ovarian cancer, familial, susceptibility to, 1. Last evaluated: 2017-12-15. Review status: reviewed by expert panel. Criteria: ENIGMA BRCA1/2 Classification Criteria (2017-06-29). Collection method: curation. Allele origin: germline. Study: ENIGMA.
Comment: Variant allele predicted to encode a truncated non-functional protein.

NM_007294.4(BRCA1):c.2493_2494insGT (p.Pro832fs)

Gene: BRCA1 (BRCA1 DNA repair associated; minus strand). Cytogenetic location: 17q21.31.
Variant type: Insertion.
Coding change: c.2493_2494insGT on transcript NM_007294.4 (MANE Select); coding-DNA positions 2493 to 2494, GT inserted.
Protein change: p.Pro832fs; shifts the reading frame from proline 832.
Molecular consequence: frameshift variant. On other transcripts: intron variant (137).
Genome position: GRCh38 VCF-style: chr17-43093037-G-GAC. GRCh37 (hg19) VCF-style: chr17-41245054-G-GAC.
Other names: c.2493_2494insGT, p.Pro832fs (NM_007294.3, NM_001407684.1, NM_001407854.1 and 31 more transcripts); c.2412_2413insGT, p.Pro805fs (NM_001407659.1, NM_001407660.1, NM_001407661.1 and 1 more transcripts); c.2415_2416insGT, p.Pro806fs (NM_001407663.1, NM_001407653.1, NM_001407654.1 and 4 more transcripts); c.2370_2371insGT, p.Pro791fs (NM_001407664.1, NM_001407665.1, NM_001407666.1 and 19 more transcripts); c.2367_2368insGT, p.Pro790fs (NM_001407670.1, NM_001407671.1, NM_001407672.1 and 11 more transcripts); c.2352_2353insGT, p.Pro785fs (NM_001407692.1, NM_001407694.1, NM_001407695.1 and 29 more transcripts); c.2349_2350insGT, p.Pro784fs (NM_001407740.1, NM_001407741.1, NM_001407742.1 and 20 more transcripts); c.2280_2281insGT, p.Pro761fs (NM_001407853.1, NM_001407894.1, NM_001407895.1 and 9 more transcripts); and 41 more; short protein forms P832fs, P785fs, P743fs, P761fs, P764fs, P784fs, P791fs, P831fs.
Identifiers: ClinVar variation 548319 (VCV000548319.2), dbSNP rs1555589547, ClinGen allele CA658824005.
Genomic context (GRCh38, chr17:43,093,037, plus strand): 5'-GTTCACTTTCTTCCATTTCTATGCTTGTTTCCCGACTGTGGTTAACTTCATGTCCCAATG[G>GAC]ATACTTAAAGCCTTCTGTGTCATTTCTATTATCTTTGGAACAACCATGAATTAGTCCCTT-3'